The following is an entry in ClinVar:

NM_183065.4(TMEM107):c.*755C>T

Genes: SNORD118 (small nucleolar RNA, C/D box 118; minus strand), TMEM107 (transmembrane protein 107; minus strand). Cytogenetic location: 17p13.1.
Variant type: single nucleotide variant.
Coding change: c.*755C>T on transcript NM_183065.4 (MANE Select); 755 bases downstream of the stop codon, C replaced by T.
Molecular consequence: 3 prime UTR variant. On other transcripts: non-coding transcript variant (1).
Genome position (GRCh38, 1-based): chr17:8,173,448, G>A on the plus strand (C>T on the coding strand, the complement: TMEM107 is on the minus strand). VCF-style: chr17-8173448-G-A. GRCh37 (hg19) VCF-style: chr17-8076766-G-A.
Other names: TER5C-G; c.*755C>T (NM_001351278.2, NM_001351279.2, NM_001351280.2 and 1 more transcripts).
Identifiers: ClinVar variation 265783 (VCV000265783.7), dbSNP rs75008470, ClinGen allele CA8370553.

ClinVar aggregate classification (germline): Uncertain significance. Review status: criteria provided, single submitter (1 of 4 stars). 3 submissions from 3 submitters: Uncertain significance (1). 2 of the submissions do not count toward it. Last evaluated 2018-08-07.

Conditions:
TMEM107-related disorder. Also called: TMEM107-related condition.
Leukoencephalopathy with calcifications and cysts. Also called: LABRUNE SYNDROME; Leukoencephalopathy, brain calcifications, and cysts. Identifiers: Orphanet 542310, MedGen C3281200, MONDO:0013803, OMIM 614561.
Meckel syndrome, type 1 (MKS1). Also called: MECKEL-GRUBER SYNDROME, TYPE 1. Identifiers: Orphanet 564, MedGen C3714506, MONDO:0009571, OMIM 249000.

Allele frequency attached by ClinVar (database versions not stated): TOPMed 0.00043; 1000 Genomes Project 0.00160.

Submissions (3):

Genomic Research Center, Shahid Beheshti University of Medical Sciences
Classification: Uncertain significance for Meckel syndrome type 1. Last evaluated: 2018-08-07. Review status: criteria provided, single submitter. Criteria: ACMG Guidelines, 2015. Collection method: clinical testing. Allele origin: inherited. Affected: no. Observed: 1 variant allele.

PreventionGenetics, part of Exact Sciences
Classification: Likely benign for TMEM107-related condition. Last evaluated: 2024-09-23. Review status: no assertion criteria provided. Collection method: clinical testing. Allele origin: germline. Not counted in ClinVar's aggregate classification.
Comment: This variant is classified as likely benign based on ACMG/AMP sequence variant interpretation guidelines (Richards et al. 2015 PMID: 25741868, with internal and published modifications).

OMIM
Classification: Pathogenic for LEUKOENCEPHALOPATHY, BRAIN CALCIFICATIONS, AND CYSTS. Last evaluated: 2016-10-10. Review status: no assertion criteria provided. Collection method: literature only. Allele origin: germline. Not counted in ClinVar's aggregate classification.

Literature cited by the submitters: PubMed 27571260 (cited by OMIM).